The following is an entry in ClinVar:

NM_001378452.1(ITPR1):c.7851C>T (p.Thr2617=)

Genes: ITPR1 (inositol 1,4,5-trisphosphate receptor type 1; plus strand), LOC126806590 (MED14-independent group 3 enhancer GRCh37_chr3:4855759-4856958; plus strand). Cytogenetic location: 3p26.1.
Variant type: single nucleotide variant.
Coding change: c.7851C>T on transcript NM_001378452.1 (MANE Select); coding-DNA position 7851, C replaced by T.
Protein change: p.Thr2617=; no amino-acid change (threonine 2617 retained).
Molecular consequence: synonymous variant.
Genome position (GRCh38, 1-based): chr3:4,815,202, C>T. VCF-style: chr3-4815202-C-T. GRCh37 (hg19) VCF-style: chr3-4856886-C-T.
Other names: c.7707C>T, p.Thr2569= (NM_001099952.4); c.7806C>T, p.Thr2602= (NM_001168272.2); c.7662C>T, p.Thr2554= (NM_002222.7).
Identifiers: ClinVar variation 1935074 (VCV001935074.29), dbSNP rs756270254, ClinGen allele CA2232982.

ClinVar aggregate classification (germline): Likely benign. Review status: criteria provided, multiple submitters, no conflicts (2 of 4 stars). 2 submissions from 2 submitters: Likely benign (2). Last evaluated 2025-08-21.

Allele frequency attached by ClinVar (database versions not stated): ExAC 0.00002; gnomAD exomes 0.00002; TOPMed 0.00002; gnomAD 0.00004.
gnomAD v4.1: 37 of 1,613,670 alleles (0.0023%); highest among the groups gnomAD compares: Non-Finnish European, 0.0031%; no homozygotes.

Submissions (2):

Labcorp Genetics (formerly Invitae), Labcorp
Classification: Likely benign. Last evaluated: 2025-08-21. Review status: criteria provided, single submitter. Criteria: Invitae Variant Classification Sherloc (09022015). Collection method: clinical testing. Allele origin: germline.

CeGaT Center for Human Genetics Tuebingen
Classification: Likely benign. Last evaluated: 2022-08-01. Review status: criteria provided, single submitter. Criteria: CeGaT Center For Human Genetics Tuebingen Variant Classification Criteria Version 2. Collection method: clinical testing. Allele origin: germline. Affected: yes. Observed: 1 variant allele.
Comment: ITPR1: BP4, BP7